The following is an entry in ClinVar:

NM_080473.5(GATA5):c.243C>A (p.His81Gln)

Gene: GATA5 (GATA binding protein 5; minus strand). Cytogenetic location: 20q13.33.
Variant type: single nucleotide variant.
Coding change: c.243C>A on transcript NM_080473.5 (MANE Select); coding-DNA position 243, C replaced by A.
Protein change: p.His81Gln; replaces histidine 81 with glutamine.
Molecular consequence: missense variant.
Genome position (GRCh38, 1-based): chr20:62,475,279, G>T on the plus strand (C>A on the coding strand, the complement: GATA5 is on the minus strand). VCF-style: chr20-62475279-G-T. GRCh37 (hg19) VCF-style: chr20-61050335-G-T.
Other names: short protein forms H81Q.
Identifiers: ClinVar variation 4810528 (VCV004810528.1).

ClinVar aggregate classification (germline): Uncertain significance (1 of 4 stars; one submission).

gnomAD v4.1: 3 of 1,245,972 alleles (0.00024%); highest among the groups gnomAD compares: African/African-American, 0.0016%; no homozygotes.

Submission:

Labcorp Genetics (formerly Invitae), Labcorp
Classification: Uncertain significance. Last evaluated: 2025-09-27. Review status: criteria provided, single submitter. Criteria: Invitae Variant Classification Sherloc (09022015). Collection method: clinical testing. Allele origin: germline.
Comment: This sequence change replaces histidine, which is basic and polar, with glutamine, which is neutral and polar, at codon 81 of the GATA5 protein (p.His81Gln). This variant is not present in population databases (gnomAD no frequency). This variant has not been reported in the literature in individuals affected with GATA5-related conditions. Invitae Evidence Modeling of protein sequence and biophysical properties (such as structural, functional, and spatial information, amino acid conservation, physicochemical variation, residue mobility, and thermodynamic stability) indicates that this missense variant is not expected to disrupt GATA5 protein function with a negative predictive value of 80%. In summary, the available evidence is currently insufficient to determine the role of this variant in disease. Therefore, it has been classified as a Variant of Uncertain Significance.